The following is an entry in ClinVar:

NM_031885.5(BBS2):c.65G>A (p.Gly22Glu)

Gene: BBS2 (Bardet-Biedl syndrome 2; minus strand). Cytogenetic location: 16q13.
Variant type: single nucleotide variant.
Coding change: c.65G>A on transcript NM_031885.5 (MANE Select); coding-DNA position 65, G replaced by A.
Protein change: p.Gly22Glu; replaces glycine 22 with glutamic acid.
Molecular consequence: missense variant. On other transcripts: non-coding transcript variant (5).
Genome position (GRCh38, 1-based): chr16:56,519,798, C>T on the plus strand (G>A on the coding strand, the complement: BBS2 is on the minus strand). VCF-style: chr16-56519798-C-T. GRCh37 (hg19) VCF-style: chr16-56553710-C-T.
Other names: c.65G>A, p.Gly22Glu (NM_001377456.1); short protein forms G22E.
Identifiers: ClinVar variation 3345131 (VCV003345131.1).

ClinVar aggregate classification (germline): Uncertain significance (0 of 4 stars; one submission).

Conditions:
BBS2-related disorder. Also called: BBS2-related condition; BBS2-related disorders. Identifiers: MedGen CN239228.

gnomAD v4.1: 1 of 1,613,806 alleles (0.000062%); highest among the groups gnomAD compares: Non-Finnish European, 0.000085%; no homozygotes.

Submission:

PreventionGenetics, part of Exact Sciences
Classification: Uncertain significance for BBS2-related condition. Last evaluated: 2024-04-05. Review status: no assertion criteria provided. Collection method: clinical testing. Allele origin: germline.
Comment: The BBS2 c.65G>A variant is predicted to result in the amino acid substitution p.Gly22Glu. To our knowledge, this variant has not been reported in the literature or in a large population database, indicating this variant is rare. At this time, the clinical significance of this variant is uncertain due to the absence of conclusive functional and genetic evidence.